The following is an entry in ClinVar:

NM_004369.4(COL6A3):c.1444A>C (p.Ile482Leu)

Gene: COL6A3 (collagen type VI alpha 3 chain; minus strand). Cytogenetic location: 2q37.3.
Variant type: single nucleotide variant.
Coding change: c.1444A>C on transcript NM_004369.4 (MANE Select); coding-DNA position 1444, A replaced by C.
Protein change: p.Ile482Leu; replaces isoleucine 482 with leucine.
Molecular consequence: missense variant.
Genome position (GRCh38, 1-based): chr2:237,381,368, T>G on the plus strand (A>C on the coding strand, the complement: COL6A3 is on the minus strand). VCF-style: chr2-237381368-T-G. GRCh37 (hg19) VCF-style: chr2-238290011-T-G.
Other names: c.223A>C, p.Ile75Leu (NM_057164.5, NM_057166.5); c.826A>C, p.Ile276Leu (NM_057165.5, NM_057167.4); short protein forms I276L, I482L, I75L.
Identifiers: ClinVar variation 2580685 (VCV002580685.1), dbSNP rs2469930098, ClinGen allele CA351218072.

ClinVar aggregate classification (germline): Uncertain significance (1 of 4 stars; one submission).

Submission:

GeneDx
Classification: Uncertain significance. Last evaluated: 2023-03-23. Review status: criteria provided, single submitter. Criteria: GeneDx Variant Classification Process June 2021. Collection method: clinical testing. Allele origin: germline. Affected: yes.
Comment: Not observed at significant frequency in large population cohorts (gnomAD); In silico analysis supports that this missense variant does not alter protein structure/function; Has not been previously published as pathogenic or benign to our knowledge